The following is an entry in ClinVar:

ClinVar aggregate classification (germline): Uncertain significance (1 of 4 stars; one submission).

Submission:

GeneDx
Classification: Uncertain significance. Last evaluated: 2019-11-13. Review status: criteria provided, single submitter. Criteria: GeneDx Variant Classification Process June 2021. Collection method: clinical testing. Allele origin: germline. Affected: yes.
Comment: Not observed in large population cohorts (Lek et al., 2016); In silico analysis, which includes protein predictors and evolutionary conservation, supports that this variant does not alter protein structure/function; Has not been previously published as pathogenic or benign to our knowledge

NM_001904.4(CTNNB1):c.2141C>G (p.Pro714Arg)

Gene: CTNNB1 (catenin beta 1; plus strand). Cytogenetic location: 3p22.1.
Variant type: single nucleotide variant.
Coding change: c.2141C>G on transcript NM_001904.4 (MANE Select); coding-DNA position 2141, C replaced by G.
Protein change: p.Pro714Arg; replaces proline 714 with arginine.
Molecular consequence: missense variant.
Genome position (GRCh38, 1-based): chr3:41,239,137, C>G. VCF-style: chr3-41239137-C-G. GRCh37 (hg19) VCF-style: chr3-41280628-C-G.
Other names: c.2141C>G, p.Pro714Arg (NM_001098209.2, NM_001098210.2); c.2120C>G, p.Pro707Arg (NM_001330729.2); short protein forms P707R, P714R.
Identifiers: ClinVar variation 1320520 (VCV001320520.2), dbSNP rs2125653010, ClinGen allele CA352237253.